The following is an entry in ClinVar:

ClinVar aggregate classification (germline): Uncertain significance (1 of 4 stars; one submission).

Conditions:
Primary ciliary dyskinesia 5. Also called: CILIARY DYSKINESIA, PRIMARY, 5, WITHOUT SITUS INVERSUS. Identifiers: Orphanet 244, MedGen C1837615, MONDO:0012088, OMIM 608647.

Submission:

Juno Genomics, Hangzhou Juno Genomics, Inc
Classification: Uncertain significance for Primary ciliary dyskinesia 5. Review status: criteria provided, single submitter. Criteria: ACMG Guidelines, 2015. Collection method: clinical testing. Allele origin: germline. Affected: yes.
Comment: Absent from controls (or at extremely low frequency if recessive) in Genome Aggregation Database, Exome Sequencing Project, 1000 Genomes Project, or Exome Aggregation Consortium.

NM_001270974.2(HYDIN):c.10826A>G (p.Tyr3609Cys)

Gene: HYDIN (HYDIN axonemal central pair apparatus protein; minus strand). Cytogenetic location: 16q22.2.
Variant type: single nucleotide variant.
Coding change: c.10826A>G on transcript NM_001270974.2 (MANE Select); coding-DNA position 10826, A replaced by G.
Protein change: p.Tyr3609Cys; replaces tyrosine 3609 with cysteine.
Molecular consequence: missense variant.
Genome position (GRCh38, 1-based): chr16:70,874,427, T>C on the plus strand (A>G on the coding strand, the complement: HYDIN is on the minus strand). VCF-style: chr16-70874427-T-C. GRCh37 (hg19) VCF-style: chr16-70908330-T-C.
Other names: short protein forms Y3609C.
Identifiers: ClinVar variation 3382863 (VCV003382863.2).